The following is an entry in ClinVar:

NM_181882.3(PRX):c.1979C>G (p.Pro660Arg)

Gene: PRX (periaxin; minus strand). Cytogenetic location: 19q13.2.
Variant type: single nucleotide variant.
Coding change: c.1979C>G on transcript NM_181882.3 (MANE Select); coding-DNA position 1979, C replaced by G.
Protein change: p.Pro660Arg; replaces proline 660 with arginine.
Molecular consequence: missense variant. On other transcripts: 3 prime UTR variant (1).
Genome position (GRCh38, 1-based): chr19:40,396,373, G>C on the plus strand (C>G on the coding strand, the complement: PRX is on the minus strand). VCF-style: chr19-40396373-G-C. GRCh37 (hg19) VCF-style: chr19-40902280-G-C.
Other names: c.*2184C>G (NM_020956.2); short protein forms P660R.
Identifiers: ClinVar variation 942828 (VCV000942828.9), dbSNP rs748737580, ClinGen allele CA9444152.

ClinVar aggregate classification (germline): Uncertain significance. Review status: criteria provided, multiple submitters, no conflicts (2 of 4 stars). 3 submissions from 3 submitters: Uncertain significance (3). Last evaluated 2025-10-28.

Conditions:
Charcot-Marie-Tooth disease type 4F. Also called: Charcot-Marie-Tooth disease, demyelinating, type 4F. Identifiers: Orphanet 99952, MedGen C3540453, MONDO:0013959, OMIM 614895.
Dejerine-Sottas disease. Also called: HMSN Type III; Hereditary motor and sensory neuropathy 3; DEJERINE-SOTTAS NEUROPATHY; HEREDITARY MOTOR AND SENSORY NEUROPATHY TYPE III; Charcot-Marie-Tooth disease type 3. Identifiers: Orphanet 64748, MedGen C0011195, MONDO:0007790, OMIM 145900.
PRX-related disorder. Also called: PRX-Related Disorders; PRX-related condition.
Charcot-Marie-Tooth disease type 4. Also called: Charcot-Marie-Tooth disease, type IV; Charcot-Marie-Tooth, Type 4. Identifiers: Orphanet 64749, MedGen C4082197, MONDO:0018995.

Allele frequency attached by ClinVar (database versions not stated): TOPMed 0.00004.
gnomAD v4.1: 21 of 1,612,920 alleles (0.0013%); highest among the groups gnomAD compares: Non-Finnish European, 0.0016%; no homozygotes.

Submissions (3):

PreventionGenetics, part of Exact Sciences
Classification: Uncertain significance for PRX-related condition. Last evaluated: 2025-10-28. Review status: criteria provided, single submitter. Criteria: ACMG Guidelines, 2015. Collection method: clinical testing. Allele origin: germline.
Comment: The PRX c.1979C>G variant is predicted to result in the amino acid substitution p.Pro660Arg. To our knowledge, this variant has not been reported in the literature. This variant is reported in 0.00088% of alleles in individuals of European (Non-Finnish) descent in gnomAD. At this time, the clinical significance of this variant is uncertain due to the absence of conclusive functional and genetic evidence.

Labcorp Genetics (formerly Invitae), Labcorp
Classification: Uncertain significance for Charcot-Marie-Tooth disease type 4. Last evaluated: 2022-01-11. Review status: criteria provided, single submitter. Criteria: Invitae Variant Classification Sherloc (09022015). Collection method: clinical testing. Allele origin: germline.
Comment: This variant has not been reported in the literature in individuals affected with PRX-related conditions. This variant is present in population databases (rs748737580, gnomAD 0.0009%). This sequence change replaces proline, which is neutral and non-polar, with arginine, which is basic and polar, at codon 660 of the PRX protein (p.Pro660Arg). ClinVar contains an entry for this variant (Variation ID: 942828). In summary, the available evidence is currently insufficient to determine the role of this variant in disease. Therefore, it has been classified as a Variant of Uncertain Significance. Algorithms developed to predict the effect of missense changes on protein structure and function are either unavailable or do not agree on the potential impact of this missense change (SIFT: "Tolerated"; PolyPhen-2: "Probably Damaging"; Align-GVGD: "Class C0").

Department of Pathology and Laboratory Medicine, Sinai Health System
Classification: Uncertain significance for Dejerine-Sottas disease; Charcot-Marie-Tooth disease type 4F. Last evaluated: 2021-07-30. Review status: criteria provided, single submitter. Criteria: ACMG Guidelines, 2015. Collection method: research. Allele origin: germline.